The following is an entry in ClinVar:

NM_000478.6(ALPL):c.181+52C>A

Gene: ALPL (alkaline phosphatase, biomineralization associated; plus strand). Cytogenetic location: 1p36.12.
Variant type: single nucleotide variant.
Coding change: c.181+52C>A on transcript NM_000478.6 (MANE Select); 52 bases into the intron after coding-DNA position 181, C replaced by A.
Molecular consequence: intron variant.
Genome position (GRCh38, 1-based): chr1:21,560,797, C>A. VCF-style: chr1-21560797-C-A. GRCh37 (hg19) VCF-style: chr1-21887290-C-A.
Other names: c.181+52C>A (NM_001369805.2, NM_001369804.2, NM_001369803.2); c.16+52C>A (NM_001127501.4); c.66+52C>A (NM_001177520.3).
Identifiers: ClinVar variation 1242310 (VCV001242310.5), dbSNP rs1767430, ClinGen allele CA666419.

ClinVar aggregate classification (germline): Benign. Review status: criteria provided, multiple submitters, no conflicts (2 of 4 stars). 4 submissions from 4 submitters: Benign (4). Last evaluated 2026-08-13.

Conditions:
Hypophosphatasia. Also called: Phosphoethanol-aminuria. Identifiers: Orphanet 436, MedGen C0020630, MeSH D007014, MONDO:0018570.

Allele frequency attached by ClinVar (database versions not stated): 1000 Genomes Project 30x 0.26062; 1000 Genomes Project 0.26198; TOPMed 0.33491; ESP Exome Variant Server 0.34722.
gnomAD v4.1: 588,073 of 1,607,790 alleles (37%); highest among the groups gnomAD compares: Middle Eastern, 46%; 110,951 homozygotes.

Submissions (4):

JKU Lab, Dept of Paediatrics, Johannes Kepler University
Classification: Benign for Hypophosphatasia. Last evaluated: 2026-08-13. Review status: criteria provided, single submitter. Criteria: ACMG Guidelines, 2015. Collection method: curation. Allele origin: germline. Affected: no.
Comment: This intronic variant is present in GnomAD 4.1 (36.895% in GnomAD Exomes v4.1). The REVEL-score is not applicable. Splice-prediction algorithms predict no effect on splicing. This variant has been reported in the literature in individuals affected with ALPL-related conditions (PMID:34213743).

Genomenon, Inc
Classification: Benign for Hypophosphatasia. Last evaluated: 2025-08-29. Review status: criteria provided, single submitter. Criteria: Genomenon Sequence Variant Interpretation Standards. Collection method: curation. Allele origin: germline. Affected: no.
Comment: ALPL c.181+52C>A is an intronic variant located in intron 3. This variant has been reported in the published literature (PMID:17563703;34213743). This variant is present at high allele frequency in population databases. In conclusion, we classify ALPL c.181+52C>A as a benign variant.

GeneDx
Classification: Benign. Last evaluated: 2018-08-09. Review status: criteria provided, single submitter. Criteria: GeneDx Variant Classification Process June 2021. Collection method: clinical testing. Allele origin: germline. Affected: yes.

Breakthrough Genomics
Classification: Benign. Review status: criteria provided, single submitter. Criteria: ACMG Guidelines, 2015. Collection method: not provided. Allele origin: germline. Inheritance: Autosomal recessive inheritance. Affected: yes.

Literature cited by the submitters: PubMed 34213743 (cited by JKU Lab, Dept of Paediatrics, Johannes Kepler University and Genomenon, Inc); PubMed 17563703 (cited by Genomenon, Inc).